The following is an entry in ClinVar:

ClinVar aggregate classification (germline): Uncertain significance (1 of 4 stars; one submission).

Conditions:
Charcot-Marie-Tooth disease type 2. Also called: Charcot-Marie-Tooth type 2. Identifiers: Orphanet 64746, MedGen C0270914, MONDO:0018993.

Submission:

Labcorp Genetics (formerly Invitae), Labcorp
Classification: Uncertain significance for Charcot-Marie-Tooth disease type 2. Last evaluated: 2019-07-27. Review status: criteria provided, single submitter. Criteria: Invitae Variant Classification Sherloc (09022015). Collection method: clinical testing. Allele origin: germline.
Comment: In summary, the available evidence is currently insufficient to determine the role of this variant in disease. Therefore, it has been classified as a Variant of Uncertain Significance. Algorithms developed to predict the effect of missense changes on protein structure and function are either unavailable or do not agree on the potential impact of this missense change (SIFT: "Deleterious"; PolyPhen-2: "Probably Damaging"; Align-GVGD: "Class C0"). This variant has not been reported in the literature in individuals with KIF1B-related conditions. This variant is not present in population databases (ExAC no frequency). This sequence change replaces valine with phenylalanine at codon 353 of the KIF1B protein (p.Val353Phe). The valine residue is highly conserved and there is a small physicochemical difference between valine and phenylalanine.

NM_001365951.3(KIF1B):c.1075G>T (p.Val359Phe)

Gene: KIF1B (kinesin family member 1B; plus strand). Cytogenetic location: 1p36.22.
Variant type: single nucleotide variant.
Coding change: c.1075G>T on transcript NM_001365951.3 (MANE Select); coding-DNA position 1075, G replaced by T.
Protein change: p.Val359Phe; replaces valine 359 with phenylalanine.
Molecular consequence: missense variant.
Genome position (GRCh38, 1-based): chr1:10,278,023, G>T. VCF-style: chr1-10278023-G-T. GRCh37 (hg19) VCF-style: chr1-10338081-G-T.
Other names: c.1075G>T, p.Val359Phe (NM_001365952.1); c.1057G>T, p.Val353Phe (NM_001365953.1, NM_015074.3, NM_183416.4); short protein forms V353F, V359F.
Identifiers: ClinVar variation 939489 (VCV000939489.9), dbSNP rs1437891155, ClinGen allele CA338334036.
Genomic context (GRCh38, chr1:10,278,023, plus strand): 5'-ACAAATTTTCTTTTTGGATCTAGATATGCAGATCGTGCAAAACAAATTAAATGCAATGCT[G>T]TTATCAATGAGGACCCCAATGCCAAACTGGTTCGTGAATTAAAGGAGGAGGTGACACGGC-3'
Protein context (NP_001352880.1, residues 349-369): DRAKQIKCNA[Val359Phe]INEDPNAKLV